The following is an entry in ClinVar:

ClinVar aggregate classification (germline): Uncertain significance. Review status: criteria provided, multiple submitters, no conflicts (2 of 4 stars). 2 submissions from 2 submitters: Uncertain significance (2). Last evaluated 2025-06-17.

Conditions:
Inborn genetic diseases. Identifiers: MedGen C0950123, MeSH D030342.

Allele frequency attached by ClinVar (database versions not stated): gnomAD exomes below 0.00001.
gnomAD v4.1: 6 of 1,528,166 alleles (0.00039%); highest among the groups gnomAD compares: South Asian, 0.0024%; no homozygotes.

Submissions (2):

Ambry Genetics
Classification: Uncertain significance for Inborn genetic diseases. Last evaluated: 2025-06-17. Review status: criteria provided, single submitter. Criteria: Ambry Variant Classification Scheme 2023. Collection method: clinical testing. Allele origin: germline.

Women's Health and Genetics/Laboratory Corporation of America, LabCorp
Classification: Uncertain significance. Last evaluated: 2023-11-17. Review status: criteria provided, single submitter. Criteria: LabCorp Variant Classification Summary - May 2015. Collection method: clinical testing. Allele origin: germline.
Comment: Variant summary: ANKRD11 c.6800C>T (p.Ser2267Phe) results in a non-conservative amino acid change in the encoded protein sequence. Four of five in-silico tools predict a benign effect of the variant on protein function. The variant allele was found at a frequency of 7.6e-06 in 131098 control chromosomes (i.e., 1 heterozygote; gnomAD v2 Exomes dataset). The available data on variant occurrences in the general population are insufficient to allow any conclusion about variant significance. To our knowledge, no occurrence of c.6800C>T in individuals affected with KBG Syndrome and no experimental evidence demonstrating its impact on protein function have been reported. No submitters have reported clinical-significance assessments for this variant to ClinVar after 2014. Based on the evidence outlined above, the variant was classified as uncertain significance.

NM_013275.6(ANKRD11):c.6800C>T (p.Ser2267Phe)

Gene: ANKRD11 (ankyrin repeat domain containing 11; minus strand). Cytogenetic location: 16q24.3.
Variant type: single nucleotide variant.
Coding change: c.6800C>T on transcript NM_013275.6 (MANE Select); coding-DNA position 6800, C replaced by T.
Protein change: p.Ser2267Phe; replaces serine 2267 with phenylalanine.
Molecular consequence: missense variant.
Genome position (GRCh38, 1-based): chr16:89,279,742, G>A on the plus strand (C>T on the coding strand, the complement: ANKRD11 is on the minus strand). VCF-style: chr16-89279742-G-A. GRCh37 (hg19) VCF-style: chr16-89346150-G-A.
Other names: c.6800C>T, p.Ser2267Phe (NM_001256182.2, NM_001256183.2); c.6800C>T (NM_013275.4); short protein forms S2267F.
Identifiers: ClinVar variation 2682609 (VCV002682609.2), dbSNP rs941977575, ClinGen allele CA397149947.